The following is an entry in ClinVar:

NM_001128178.3(NPHP1):c.771+38G>T

Gene: NPHP1 (nephrocystin 1; minus strand). Cytogenetic location: 2q13.
Variant type: single nucleotide variant.
Coding change: c.771+38G>T on transcript NM_001128178.3 (MANE Select); 38 bases into the intron after coding-DNA position 771, G replaced by T.
Molecular consequence: intron variant. On other transcripts: missense variant (2).
Genome position (GRCh38, 1-based): chr2:110,164,650, C>A on the plus strand (G>T on the coding strand, the complement: NPHP1 is on the minus strand). VCF-style: chr2-110164650-C-A. GRCh37 (hg19) VCF-style: chr2-110922227-C-A.
Other names: c.809G>T, p.Cys270Phe (NM_000272.5, NM_207181.4); c.585+38G>T (NM_001128179.3); c.771+38G>T (NM_001374256.1, NM_001374257.1); short protein forms C270F.
Identifiers: ClinVar variation 411114 (VCV000411114.11), dbSNP rs764086072, ClinGen allele CA1827276.

ClinVar aggregate classification (germline): Uncertain significance. Review status: criteria provided, multiple submitters, no conflicts (2 of 4 stars). 4 submissions from 4 submitters: Uncertain significance (4). Last evaluated 2025-12-24.

Conditions:
NPHP1-related disorder. Also called: NPHP1-related disorders; NPHP1-related condition.
Nephronophthisis. Also called: Juvenile Nephronophthisis. Identifiers: Orphanet 655, MedGen C0687120, MONDO:0019005, HP:0000090.
Inborn genetic diseases. Identifiers: MedGen C0950123, MeSH D030342.

Allele frequency attached by ClinVar (database versions not stated): ExAC 0.00001; gnomAD exomes 0.00001 and 0.00003.
gnomAD v4.1: 13 of 1,613,848 alleles (0.00081%); highest among the groups gnomAD compares: Admixed American, 0.012%; no homozygotes.

Submissions (4):

PreventionGenetics, part of Exact Sciences
Classification: Uncertain significance for NPHP1-related condition. Last evaluated: 2025-12-24. Review status: criteria provided, single submitter. Criteria: ACMG Guidelines, 2015. Collection method: clinical testing. Allele origin: germline.
Comment: The NPHP1 c.809G>T variant is predicted to result in the amino acid substitution p.Cys270Phe. To our knowledge, this variant has not been reported in the literature. This variant is reported in 0.020% of alleles in individuals of Latino descent in gnomAD. At this time, the clinical significance of this variant is uncertain due to the absence of conclusive functional and genetic evidence.

Ambry Genetics
Classification: Uncertain significance for Inborn genetic diseases. Last evaluated: 2023-12-13. Review status: criteria provided, single submitter. Criteria: Ambry Variant Classification Scheme 2023. Collection method: clinical testing. Allele origin: germline.

Labcorp Genetics (formerly Invitae), Labcorp
Classification: Uncertain significance for Nephronophthisis. Last evaluated: 2021-08-31. Review status: criteria provided, single submitter. Criteria: Invitae Variant Classification Sherloc (09022015). Collection method: clinical testing. Allele origin: germline.
Comment: This sequence change replaces cysteine with phenylalanine at codon 270 of the NPHP1 protein (p.Cys270Phe). The cysteine residue is moderately conserved and there is a large physicochemical difference between cysteine and phenylalanine. The frequency data for this variant in the population databases is considered unreliable, as metrics indicate poor data quality at this position in the ExAC database. This variant has not been reported in the literature in individuals affected with NPHP1-related conditions. Algorithms developed to predict the effect of missense changes on protein structure and function are either unavailable or do not agree on the potential impact of this missense change (SIFT: "Deleterious"; PolyPhen-2: "Benign"; Align-GVGD: "Class C0"). In summary, the available evidence is currently insufficient to determine the role of this variant in disease. Therefore, it has been classified as a Variant of Uncertain Significance.

Eurofins Ntd Llc (ga)
Classification: Uncertain significance. Last evaluated: 2017-05-18. Review status: criteria provided, single submitter. Criteria: EGL Classification Definitions 2015. Collection method: clinical testing. Allele origin: germline. Observed: 1 variant allele, 1 heterozygote.